The following is an entry in ClinVar:

ClinVar aggregate classification (germline): Uncertain significance. Review status: criteria provided, multiple submitters, no conflicts (2 of 4 stars). 2 submissions from 2 submitters: Uncertain significance (2). Last evaluated 2024-05-15.

Conditions:
Chédiak-Higashi syndrome (CHS). Also called: Chediak-Higashi Syndrome. Identifiers: Orphanet 167, MedGen C0007965, MONDO:0008963, OMIM 214500.

gnomAD v4.1: 4 of 1,613,472 alleles (0.00025%); highest among the groups gnomAD compares: Middle Eastern, 0.017%; no homozygotes.

Submissions (2):

Mayo Clinic Laboratories, Mayo Clinic
Classification: Uncertain significance. Last evaluated: 2024-05-15. Review status: criteria provided, single submitter. Criteria: ACMG Guidelines, 2015. Collection method: clinical testing. Allele origin: germline. Observed: 1 variant allele.
Comment: BP4, PM2

Labcorp Genetics (formerly Invitae), Labcorp
Classification: Uncertain significance for Chédiak-Higashi syndrome. Last evaluated: 2022-08-12. Review status: criteria provided, single submitter. Criteria: Invitae Variant Classification Sherloc (09022015). Collection method: clinical testing. Allele origin: germline.
Comment: This sequence change replaces leucine, which is neutral and non-polar, with valine, which is neutral and non-polar, at codon 1169 of the LYST protein (p.Leu1169Val). This variant is not present in population databases (gnomAD no frequency). This variant has not been reported in the literature in individuals affected with LYST-related conditions. Algorithms developed to predict the effect of missense changes on protein structure and function (SIFT, PolyPhen-2, Align-GVGD) all suggest that this variant is likely to be tolerated. In summary, the available evidence is currently insufficient to determine the role of this variant in disease. Therefore, it has been classified as a Variant of Uncertain Significance.

NM_000081.4(LYST):c.3505C>G (p.Leu1169Val)

Gene: LYST (lysosomal trafficking regulator; minus strand). Cytogenetic location: 1q42.3.
Variant type: single nucleotide variant.
Coding change: c.3505C>G on transcript NM_000081.4 (MANE Select); coding-DNA position 3505, C replaced by G.
Protein change: p.Leu1169Val; replaces leucine 1169 with valine.
Molecular consequence: missense variant.
Genome position (GRCh38, 1-based): chr1:235,804,554, G>C on the plus strand (C>G on the coding strand, the complement: LYST is on the minus strand). VCF-style: chr1-235804554-G-C. GRCh37 (hg19) VCF-style: chr1-235967854-G-C.
Other names: p.Leu1169Val; c.3505C>G, p.Leu1169Val (NM_001301365.1); short protein forms L1169V.
Identifiers: ClinVar variation 1998982 (VCV001998982.2), dbSNP rs1005473771, ClinGen allele CA344948654.